The following is an entry in ClinVar:

NM_001134407.3(GRIN2A):c.*4703C>T

Gene: GRIN2A (glutamate ionotropic receptor NMDA type subunit 2A; minus strand). Cytogenetic location: 16p13.2.
Variant type: single nucleotide variant.
Coding change: c.*4703C>T on transcript NM_001134407.3 (MANE Select); 4703 bases downstream of the stop codon, C replaced by T.
Molecular consequence: 3 prime UTR variant.
Genome position (GRCh38, 1-based): chr16:9,758,446, G>A on the plus strand (C>T on the coding strand, the complement: GRIN2A is on the minus strand). VCF-style: chr16-9758446-G-A. GRCh37 (hg19) VCF-style: chr16-9852303-G-A.
Other names: c.*4703C>T (NM_000833.5); c.*4909C>T (NM_001134408.2).
Identifiers: ClinVar variation 886055 (VCV000886055.4), dbSNP rs141406777, ClinGen allele CA277531368.

ClinVar aggregate classification (germline): Benign (1 of 4 stars; one submission).

Conditions:
Landau-Kleffner syndrome (FESD). Also called: APHASIA, ACQUIRED, WITH EPILEPSY; EPILEPSY, FOCAL, WITH SPEECH DISORDER AND WITH OR WITHOUT MENTAL RETARDATION. Identifiers: Orphanet 1945, Orphanet 725, Orphanet 98818, MedGen C0282512, MONDO:0009509, OMIM 245570.

Allele frequency attached by ClinVar (database versions not stated): TOPMed 0.00009; gnomAD 0.00011 and 0.00016; 1000 Genomes Project 30x 0.00031; 1000 Genomes Project 0.00060; gnomAD exomes 0.00140.
gnomAD v4.1: 114 of 220,062 alleles (0.052%); highest among the groups gnomAD compares: East Asian, 0.55%; no homozygotes.

Submission:

Illumina Laboratory Services, Illumina
Classification: Benign for Landau-Kleffner syndrome. Last evaluated: 2018-03-23. Review status: criteria provided, single submitter. Criteria: ICSL Variant Classification Criteria 13 December 2019. Collection method: clinical testing. Allele origin: germline.
Comment: This variant was observed in the ICSL laboratory as part of a predisposition screen in an ostensibly healthy population. It had not been previously curated by ICSL or reported in the Human Gene Mutation Database (HGMD: prior to June 1st, 2018), and was therefore a candidate for classification through an automated scoring system. Utilizing variant allele frequency, disease prevalence and penetrance estimates, and inheritance mode, an automated score was calculated to assess if this variant is too frequent to cause the disease. Based on the score and internal cut-off values, a variant classified as benign is not then subjected to further curation. The score for this variant resulted in a classification of benign for this disease.